The following is an entry in ClinVar:

ClinVar aggregate classification (germline): Uncertain significance (1 of 4 stars; one submission).

Submission:

Ambry Genetics
Classification: Uncertain significance. Last evaluated: 2026-03-30. Review status: criteria provided, single submitter. Criteria: Ambry Variant Classification Scheme 2023. Collection method: clinical testing. Allele origin: germline.
Comment: The p.G1286C variant (also known as c.3856G>T), located in coding exon 8 of the MLH3 gene, results from a G to T substitution at nucleotide position 3856. The glycine at codon 1286 is replaced by cysteine, an amino acid with highly dissimilar properties. This amino acid position is conserved. In addition, this alteration is predicted to be deleterious by in silico analysis. Based on the available evidence, the clinical significance of this variant remains unclear.

NM_001040108.2(MLH3):c.3856G>T (p.Gly1286Cys)

Gene: MLH3 (mutL homolog 3; minus strand). Cytogenetic location: 14q24.3.
Variant type: single nucleotide variant.
Coding change: c.3856G>T on transcript NM_001040108.2 (MANE Select); coding-DNA position 3856, G replaced by T.
Protein change: p.Gly1286Cys; replaces glycine 1286 with cysteine.
Molecular consequence: missense variant.
Genome position (GRCh38, 1-based): chr14:75,030,674, C>A on the plus strand (G>T on the coding strand, the complement: MLH3 is on the minus strand). VCF-style: chr14-75030674-C-A. GRCh37 (hg19) VCF-style: chr14-75497377-C-A.
Other names: c.3784G>T, p.Gly1262Cys (NM_014381.3); short protein forms G1262C, G1286C.
Identifiers: ClinVar variation 4860175 (VCV004860175.1).